The following is an entry in ClinVar:

ClinVar aggregate classification (germline): Conflicting classifications of pathogenicity. Review status: criteria provided, conflicting classifications (1 of 4 stars). 6 submissions from 6 submitters: Uncertain significance (4); Likely benign (1). 1 of the submissions does not count toward it. Last evaluated 2026-01-27.

Conditions:
Colorectal cancer. Also called: Malignant Colorectal Neoplasm; Colorectal cancer, somatic. Identifiers: MedGen C0346629, MONDO:0005575, OMIM 114500.
POLD1-related polyposis and colorectal cancer syndrome (CRCS10). Also called: Colorectal cancer 10; COLORECTAL CANCER, SUSCEPTIBILITY TO, ON CHROMOSOME 19q; Colorectal cancer, susceptibility to, 10. Identifiers: Orphanet 220460, MedGen C2675481, MONDO:0012953, OMIM 612591.
Hereditary cancer-predisposing syndrome. Also called: Tumor predisposition; Hereditary Cancer Syndrome; Hereditary neoplastic syndrome; Neoplastic Syndromes, Hereditary. Identifiers: Orphanet 140162, MedGen C0027672, MeSH D009386, MONDO:0015356.
Malignant tumor of breast. Also called: Cancer breast; Malignant breast neoplasm. Identifiers: MedGen C0006142, MONDO:0007254. Disease mechanism: loss of function.

Allele frequency attached by ClinVar (database versions not stated): gnomAD 0.00001 and 0.00003; gnomAD exomes 0.00003 and 0.00004; TOPMed 0.00003; ExAC 0.00006.
gnomAD v4.1: 47 of 1,604,258 alleles (0.0029%); highest among the groups gnomAD compares: South Asian, 0.03%; no homozygotes.

Submissions (6):

Labcorp Genetics (formerly Invitae), Labcorp
Classification: Uncertain significance for POLD1-related polyposis and colorectal cancer syndrome. Last evaluated: 2026-01-27. Review status: criteria provided, single submitter. Criteria: Invitae Variant Classification Sherloc (09022015). Collection method: clinical testing. Allele origin: germline.
Comment: This sequence change replaces lysine, which is basic and polar, with glutamic acid, which is acidic and polar, at codon 16 of the POLD1 protein (p.Lys16Glu). This variant is present in population databases (rs765185645, gnomAD 0.02%). This variant has not been reported in the literature in individuals affected with POLD1-related conditions. ClinVar contains an entry for this variant (Variation ID: 496661). Experimental studies and prediction algorithms are not available or were not evaluated, and the functional significance of this variant is currently unknown. RNA analysis performed to evaluate the impact of this missense change on mRNA splicing indicates it does not significantly alter splicing (internal data). In summary, the available evidence is currently insufficient to determine the role of this variant in disease. Therefore, it has been classified as a Variant of Uncertain Significance.

Center for Genomic Medicine, Rigshospitalet, Copenhagen University Hospital
Classification: Uncertain significance. Last evaluated: 2025-03-04. Review status: criteria provided, single submitter. Criteria: ACMG Guidelines, 2015. Collection method: clinical testing. Allele origin: germline.

Ambry Genetics
Classification: Likely benign for Hereditary cancer-predisposing syndrome. Last evaluated: 2024-10-17. Review status: criteria provided, single submitter. Criteria: Ambry Variant Classification Scheme 2023. Collection method: clinical testing. Allele origin: germline.

GeneDx
Classification: Uncertain significance. Last evaluated: 2022-11-02. Review status: criteria provided, single submitter. Criteria: GeneDx Variant Classification Process June 2021. Collection method: clinical testing. Allele origin: germline. Affected: yes.
Comment: In silico analysis supports that this missense variant does not alter protein structure/function; Observed in an individual with pancreatic cancer who also harbored a pathogenic BRCA2 variant (Borazanci et al., 2020); This variant is associated with the following publications: (PMID: Botrus2022[article], 31391296)

CSER _CC_NCGL, University of Washington
Classification: Uncertain significance for Colorectal cancer. Last evaluated: 2016-10-01. Review status: criteria provided, single submitter. Criteria: Amendola et al. (Genome Res. 2015). Collection method: research. Allele origin: germline. Affected: yes. Study: CSER - NEXT Medicine variant annotation.
Comment: This interpretation considers GERP score and allele frequency data, in addition to published reports of the variant in the literature, available at the time of review.

Department of Pathology and Laboratory Medicine, Sinai Health System
Classification: Uncertain significance for Malignant tumor of breast. Review status: no assertion criteria provided. Collection method: clinical testing. Allele origin: unknown. Affected: yes. Study: The Canadian Open Genetics Repository (COGR). Not counted in ClinVar's aggregate classification.
Comment: The POLD1 p.Lys16Glu variant was identified in the literature however the frequency of this variant in an affected population was not provided. The variant was identified in dbSNP (rs765185645) as â€šÃ„Ãºwith uncertain significance alleleâ€šÃ„Ã¹ and ClinVar (classified as uncertain significance by Invitae and University of Washington). The variant was identified in control databases in 11 of 258,648 chromosomes at a frequency of 0.00004 (Genome Aggregation Database Feb 27, 2017). The variant was observed in the following populations: European in 3 of 117,476 chromosomes (freq: 0.00003), Ashkenazi Jewish in 1 of 9552 chromosomes (freq: 0.0001), East Asian in 1 of 18,040 chromosomes (freq: 0.00006) and South Asian in 6 of 28,810 chromosomes (freq: 0.0002). The variant was not observed in the African, Other, Latino and Finnish populations. The p.Lys16 residue is conserved in in mammals but not in more distantly related organisms however computational analyses (PolyPhen-2, SIFT, AlignGVGD, BLOSUM, MutationTaster) do not suggest a high likelihood of impact to the protein; this information is not predictive enough to rule out pathogenicity. The variant occurs outside of the splicing consensus sequence and 1 of 4 in silico or computational prediction software programs (SpliceSiteFinder, MaxEntScan, NNSPLICE, GeneSplicer) predict a greater than 10% difference in splicing; this is not very predictive of pathogenicity. In summary, based on the above information the clinical significance of this variant cannot be determined with certainty at this time. This variant is classified as a variant of uncertain significance.

Literature cited by the submitters: PubMed 31391296 (cited by Center for Genomic Medicine, Rigshospitalet, Copenhagen University Hospital).

NM_002691.4(POLD1):c.46A>G (p.Lys16Glu)

Gene: POLD1 (DNA polymerase delta 1, catalytic subunit; plus strand). Cytogenetic location: 19q13.33.
Variant type: single nucleotide variant.
Coding change: c.46A>G on transcript NM_002691.4 (MANE Select); coding-DNA position 46, A replaced by G.
Protein change: p.Lys16Glu; replaces lysine 16 with glutamic acid.
Molecular consequence: missense variant. On other transcripts: non-coding transcript variant (1).
Genome position (GRCh38, 1-based): chr19:50,398,897, A>G. VCF-style: chr19-50398897-A-G. GRCh37 (hg19) VCF-style: chr19-50902154-A-G.
Other names: c.46A>G, p.Lys16Glu (NM_001256849.1, NM_001308632.1); c.46A>G (NM_002691.2); short protein forms K16E.
Identifiers: ClinVar variation 496661 (VCV000496661.23), dbSNP rs765185645, ClinGen allele CA9595594.